The following is an entry in ClinVar:

NM_000642.3(AGL):c.2123_2124insA (p.His709fs)

Gene: AGL (amylo-alpha-1,6-glucosidase and 4-alpha-glucanotransferase; plus strand). Cytogenetic location: 1p21.2.
Variant type: Insertion.
Coding change: c.2123_2124insA on transcript NM_000642.3 (MANE Select); coding-DNA positions 2123 to 2124, A inserted.
Protein change: p.His709fs; shifts the reading frame from histidine 709.
Molecular consequence: frameshift variant.
Genome position: GRCh38 VCF-style: chr1-99881413-T-TA. GRCh37 (hg19) VCF-style: chr1-100346969-T-TA.
Other names: c.2123_2124insA, p.His709Serfs (NM_000643.3, NM_000644.3, NM_001425325.1 and 2 more transcripts); c.2075_2076insA, p.His693Serfs (NM_000646.3); c.1922_1923insA, p.His642Serfs (NM_001425327.1); c.1919_1920insA, p.His641Serfs (NM_001425328.1, NM_001425329.1); c.1745_1746insA, p.His583Serfs (NM_001425332.1); short protein forms H693fs, H709fs.
Identifiers: ClinVar variation 1724657 (VCV001724657.2), dbSNP rs2524652125, ClinGen allele CA2580063407.
Genomic context (GRCh38, chr1:99,881,413, plus strand): 5'-ACACAGGTGAAGTTAATTTCCAAAGCGGCATTATTGCAGCCAGGTGTGCTATCAGTAAAC[T>TA]TCATCAGGAGCTTGGAGCCAAGGGTTTTATTCAGGCAAGAAATAATTAAATTTGTTTCTT-3'

ClinVar aggregate classification (germline): Likely pathogenic (1 of 4 stars; one submission).

Conditions:
Glycogen storage disease type III (GSD3). Also called: FORBES DISEASE; Cori disease. Identifiers: Orphanet 366, MedGen C0017922, MONDO:0009291, OMIM 232400.

Submission:

Myriad Genetics, Inc.
Classification: Likely pathogenic for Glycogen storage disease type III. Last evaluated: 2022-02-25. Review status: criteria provided, single submitter. Criteria: Myriad Women's Health Autosomal Recessive and X-Linked Classification Criteria (2021). Collection method: clinical testing. Allele origin: unknown.
Comment: NM_000642.2(AGL):c.2123_2124insA(H709Sfs*18) is expected to be pathogenic in the context of glycogen storage disease type III. This variant is predicted to lead to an abnormal or absent protein product due to the creation of a premature termination codon in AGL, a gene where loss-of-function variants are known to be pathogenic. Please note: this variant was assessed in the context of healthy population screening.